The following is an entry in ClinVar:

ClinVar aggregate classification (germline): Uncertain significance (1 of 4 stars; one submission).

Conditions:
Inborn genetic diseases. Identifiers: MedGen C0950123, MeSH D030342.

Submission:

Ambry Genetics
Classification: Uncertain significance for Inborn genetic diseases. Last evaluated: 2025-11-01. Review status: criteria provided, single submitter. Criteria: Ambry Variant Classification Scheme 2023. Collection method: clinical testing. Allele origin: germline.
Comment: The p.E1212D variant (also known as c.3636A>T), located in coding exon 14 of the FANCM gene, results from an A to T substitution at nucleotide position 3636. The glutamic acid at codon 1212 is replaced by aspartic acid, an amino acid with highly similar properties. This amino acid position is conserved. In addition, this alteration is predicted to be tolerated by in silico analysis. Based on the available evidence, the clinical significance of this variant remains unclear.

NM_020937.4(FANCM):c.3636A>T (p.Glu1212Asp)

Gene: FANCM (FA complementation group M; plus strand). Cytogenetic location: 14q21.2.
Variant type: single nucleotide variant.
Coding change: c.3636A>T on transcript NM_020937.4 (MANE Select); coding-DNA position 3636, A replaced by T.
Protein change: p.Glu1212Asp; replaces glutamic acid 1212 with aspartic acid.
Molecular consequence: missense variant.
Genome position (GRCh38, 1-based): chr14:45,176,390, A>T. VCF-style: chr14-45176390-A-T. GRCh37 (hg19) VCF-style: chr14-45645593-A-T.
Other names: c.3558A>T, p.Glu1186Asp (NM_001308133.2); short protein forms E1212D, E1186D.
Identifiers: ClinVar variation 4619548 (VCV004619548.1).